The following is an entry in ClinVar:

NM_000430.4(PAFAH1B1):c.980C>A (p.Thr327Asn)

Gene: PAFAH1B1 (platelet activating factor acetylhydrolase 1b regulatory subunit 1; plus strand). Cytogenetic location: 17p13.3.
Variant type: single nucleotide variant.
Coding change: c.980C>A on transcript NM_000430.4 (MANE Select); coding-DNA position 980, C replaced by A.
Protein change: p.Thr327Asn; replaces threonine 327 with asparagine.
Molecular consequence: missense variant.
Genome position (GRCh38, 1-based): chr17:2,676,584, C>A. VCF-style: chr17-2676584-C-A. GRCh37 (hg19) VCF-style: chr17-2579878-C-A.
Other names: short protein forms T327N.
Identifiers: ClinVar variation 5037304 (VCV005037304.1).

ClinVar aggregate classification (germline): Uncertain significance (1 of 4 stars; one submission).

Submission:

GeneDx
Classification: Uncertain significance. Last evaluated: 2026-04-16. Review status: criteria provided, single submitter. Criteria: GeneDx Variant Classification Process June 2021. Collection method: clinical testing. Allele origin: germline.
Comment: Not observed at significant frequency in large population cohorts (gnomAD); In silico analysis supports that this missense variant has a deleterious effect on protein structure/function; Has not been previously published as pathogenic or benign to our knowledge